The following is an entry in ClinVar:

ClinVar aggregate classification (germline): Uncertain significance (1 of 4 stars; one submission).

Conditions:
Hereditary cancer-predisposing syndrome. Also called: Tumor predisposition; Neoplastic Syndromes, Hereditary; Hereditary neoplastic syndrome; Hereditary Cancer Syndrome. Identifiers: Orphanet 140162, MedGen C0027672, MeSH D009386, MONDO:0015356.

Submission:

Ambry Genetics
Classification: Uncertain significance for Hereditary cancer-predisposing syndrome. Last evaluated: 2024-09-18. Review status: criteria provided, single submitter. Criteria: Ambry Variant Classification Scheme 2023. Collection method: clinical testing. Allele origin: germline.
Comment: The p.M660L variant (also known as c.1978A>T), located in coding exon 12 of the ATM gene, results from an A to T substitution at nucleotide position 1978. The methionine at codon 660 is replaced by leucine, an amino acid with highly similar properties. This amino acid position is conserved. In addition, this alteration is predicted to be tolerated by in silico analysis. Based on the available evidence, the clinical significance of this variant remains unclear.

NM_000051.4(ATM):c.1978A>T (p.Met660Leu)

Gene: ATM (ATM serine/threonine kinase; plus strand). Cytogenetic location: 11q22.3.
Variant type: single nucleotide variant.
Coding change: c.1978A>T on transcript NM_000051.4 (MANE Select); coding-DNA position 1978, A replaced by T.
Protein change: p.Met660Leu; replaces methionine 660 with leucine.
Molecular consequence: missense variant.
Genome position (GRCh38, 1-based): chr11:108,253,893, A>T. VCF-style: chr11-108253893-A-T. GRCh37 (hg19) VCF-style: chr11-108124620-A-T.
Other names: c.1978A>T, p.Met660Leu (NM_001351834.2); short protein forms M660L.
Identifiers: ClinVar variation 3451421 (VCV003451421.1).